The following is an entry in ClinVar:

NM_014978.3(SORCS3):c.2400C>A (p.Asn800Lys)

Gene: SORCS3 (sortilin related VPS10 domain containing receptor 3; plus strand). Cytogenetic location: 10q25.1.
Variant type: single nucleotide variant.
Coding change: c.2400C>A on transcript NM_014978.3 (MANE Select); coding-DNA position 2400, C replaced by A.
Protein change: p.Asn800Lys; replaces asparagine 800 with lysine.
Molecular consequence: missense variant.
Genome position (GRCh38, 1-based): chr10:105,214,466, C>A. VCF-style: chr10-105214466-C-A. GRCh37 (hg19) VCF-style: chr10-106974224-C-A.
Other names: short protein forms N800K.
Identifiers: ClinVar variation 3056365 (VCV003056365.2), dbSNP rs200098588, ClinGen allele CA5683925.

ClinVar aggregate classification (germline): Likely benign (0 of 4 stars; one submission).

Conditions:
SORCS3-related disorder. Also called: SORCS3-related condition.

Allele frequency attached by ClinVar (database versions not stated): gnomAD exomes 0.00009; ExAC 0.00033; 1000 Genomes Project 0.00100; 1000 Genomes Project 30x 0.00125; TOPMed 0.00130; gnomAD 0.00133; ESP Exome Variant Server 0.00154.
gnomAD v4.1: 342 of 1,614,174 alleles (0.021%); highest among the groups gnomAD compares: African/African-American, 0.4%; 1 homozygote.

Submission:

PreventionGenetics, part of Exact Sciences
Classification: Likely benign for SORCS3-related condition. Last evaluated: 2023-03-28. Review status: no assertion criteria provided. Collection method: clinical testing. Allele origin: germline.
Comment: This variant is classified as likely benign based on ACMG/AMP sequence variant interpretation guidelines (Richards et al. 2015 PMID: 25741868, with internal and published modifications).